The following is an entry in ClinVar:

ClinVar aggregate classification (germline): Benign (1 of 4 stars; one submission).

gnomAD v4.1: 14,606 of 1,499,382 alleles (0.97%); highest among the groups gnomAD compares: Non-Finnish European, 1.1%; 112 homozygotes.

Submission:

CeGaT Center for Human Genetics Tuebingen
Classification: Benign. Last evaluated: 2025-04-01. Review status: criteria provided, single submitter. Criteria: CeGaT Center For Human Genetics Tuebingen Variant Classification Criteria Version 2. Collection method: clinical testing. Allele origin: germline. Affected: yes. Observed: 1 variant allele.
Comment: CWC22: BP4, BS1, BS2

NM_020943.3(CWC22):c.2141-5C>T

Gene: CWC22 (CWC22 spliceosome associated protein; minus strand). Cytogenetic location: 2q31.3.
Variant type: single nucleotide variant.
Coding change: c.2141-5C>T on transcript NM_020943.3 (MANE Select); 5 bases into the intron before coding-DNA position 2141, C replaced by T.
Molecular consequence: intron variant.
Genome position (GRCh38, 1-based): chr2:179,945,720, G>A on the plus strand (C>T on the coding strand, the complement: CWC22 is on the minus strand). VCF-style: chr2-179945720-G-A. GRCh37 (hg19) VCF-style: chr2-180810447-G-A.
Other names: c.2018-5C>T (NM_001376032.1); c.1818-5C>T (NM_001376033.1); c.2141-5C>T (NM_001376029.1, NM_001376030.1).
Identifiers: ClinVar variation 3898103 (VCV003898103.7).